The following is an entry in ClinVar:

NM_022124.6(CDH23):c.8821A>G (p.Asn2941Asp)

Gene: CDH23 (cadherin related 23; plus strand). Cytogenetic location: 10q22.1.
Variant type: single nucleotide variant.
Coding change: c.8821A>G on transcript NM_022124.6 (MANE Select); coding-DNA position 8821, A replaced by G.
Protein change: p.Asn2941Asp; replaces asparagine 2941 with aspartic acid.
Molecular consequence: missense variant.
Genome position (GRCh38, 1-based): chr10:71,809,918, A>G. VCF-style: chr10-71809918-A-G. GRCh37 (hg19) VCF-style: chr10-73569675-A-G.
Other names: c.2101A>G, p.Asn701Asp (NM_001171933.1, NM_001171934.1); short protein forms N2941D, N701D.
Identifiers: ClinVar variation 1432986 (VCV001432986.7), dbSNP rs778682842, ClinGen allele CA5546759.

ClinVar aggregate classification (germline): Uncertain significance (1 of 4 stars; one submission).

Allele frequency attached by ClinVar (database versions not stated): gnomAD exomes 0.00001 and 0.00002; ExAC 0.00002.
gnomAD v4.1: 9 of 1,613,070 alleles (0.00056%); highest among the groups gnomAD compares: South Asian, 0.0055%; no homozygotes.

Submission:

Labcorp Genetics (formerly Invitae), Labcorp
Classification: Uncertain significance. Last evaluated: 2024-10-28. Review status: criteria provided, single submitter. Criteria: Invitae Variant Classification Sherloc (09022015). Collection method: clinical testing. Allele origin: germline.
Comment: This sequence change replaces asparagine, which is neutral and polar, with aspartic acid, which is acidic and polar, at codon 2941 of the CDH23 protein (p.Asn2941Asp). This variant is present in population databases (rs778682842, gnomAD 0.006%). This variant has not been reported in the literature in individuals affected with CDH23-related conditions. ClinVar contains an entry for this variant (Variation ID: 1432986). Invitae Evidence Modeling of protein sequence and biophysical properties (such as structural, functional, and spatial information, amino acid conservation, physicochemical variation, residue mobility, and thermodynamic stability) has been performed for this missense variant. However, the output from this modeling did not meet the statistical confidence thresholds required to predict the impact of this variant on CDH23 protein function. In summary, the available evidence is currently insufficient to determine the role of this variant in disease. Therefore, it has been classified as a Variant of Uncertain Significance.